The following is an entry in ClinVar:

ClinVar aggregate classification (germline): Uncertain significance (1 of 4 stars; one submission).

Submission:

Women's Health and Genetics/Laboratory Corporation of America, LabCorp
Classification: Uncertain significance. Last evaluated: 2024-01-15. Review status: criteria provided, single submitter. Criteria: LabCorp Variant Classification Summary - May 2015. Collection method: clinical testing. Allele origin: germline.
Comment: Variant summary: AFG3L2 c.1838A>C (p.Gln613Pro) results in a non-conservative amino acid change located in the Peptidase M41 (IPR000642) of the encoded protein sequence. Four of five in-silico tools predict a damaging effect of the variant on protein function. The variant was absent in 251484 control chromosomes (gnomAD). The available data on variant occurrences in the general population are insufficient to allow any conclusion about variant significance. To our knowledge, no occurrence of c.1838A>C in individuals affected with Spinocerebellar Ataxia Type 28 and no experimental evidence demonstrating its impact on protein function have been reported. No submitters have cited clinical-significance assessments for this variant to ClinVar. Based on the evidence outlined above, the variant was classified as uncertain significance.

NM_006796.3(AFG3L2):c.1838A>C (p.Gln613Pro)

Gene: AFG3L2 (AFG3 like matrix AAA peptidase subunit 2; minus strand). Cytogenetic location: 18p11.21.
Variant type: single nucleotide variant.
Coding change: c.1838A>C on transcript NM_006796.3 (MANE Select); coding-DNA position 1838, A replaced by C.
Protein change: p.Gln613Pro; replaces glutamine 613 with proline.
Molecular consequence: missense variant.
Genome position (GRCh38, 1-based): chr18:12,340,343, T>G on the plus strand (A>C on the coding strand, the complement: AFG3L2 is on the minus strand). VCF-style: chr18-12340343-T-G. GRCh37 (hg19) VCF-style: chr18-12340342-T-G.
Other names: short protein forms Q613P.
Identifiers: ClinVar variation 3063928 (VCV003063928.1), dbSNP rs2510221895, ClinGen allele CA401947431.